The following is an entry in ClinVar:

ClinVar aggregate classification (germline): Uncertain significance (1 of 4 stars; one submission).

Conditions:
Hereditary cancer-predisposing syndrome. Also called: Hereditary Cancer Syndrome; Hereditary neoplastic syndrome; Neoplastic Syndromes, Hereditary; Tumor predisposition. Identifiers: Orphanet 140162, MedGen C0027672, MeSH D009386, MONDO:0015356.

Submission:

Ambry Genetics
Classification: Uncertain significance for Hereditary cancer-predisposing syndrome. Last evaluated: 2022-10-22. Review status: criteria provided, single submitter. Criteria: Ambry Variant Classification Scheme 2023. Collection method: clinical testing. Allele origin: germline.
Comment: The p.V471I variant (also known as c.1411G>A), located in coding exon 12 of the SUFU gene, results from a G to A substitution at nucleotide position 1411. The valine at codon 471 is replaced by isoleucine, an amino acid with highly similar properties. This amino acid position is conserved. In addition, this alteration is predicted to be tolerated by in silico analysis. Since supporting evidence is limited at this time, the clinical significance of this alteration remains unclear.

NM_016169.4(SUFU):c.1411G>A (p.Val471Ile)

Gene: SUFU (SUFU negative regulator of hedgehog signaling; plus strand). Cytogenetic location: 10q24.32.
Variant type: single nucleotide variant.
Coding change: c.1411G>A on transcript NM_016169.4 (MANE Select); coding-DNA position 1411, G replaced by A.
Protein change: p.Val471Ile; replaces valine 471 with isoleucine.
Molecular consequence: missense variant.
Genome position (GRCh38, 1-based): chr10:102,630,111, G>A. VCF-style: chr10-102630111-G-A. GRCh37 (hg19) VCF-style: chr10-104389868-G-A.
Other names: short protein forms V471I.
Identifiers: ClinVar variation 1772051 (VCV001772051.2), dbSNP rs2492850758, ClinGen allele CA377920898.
Genomic context (GRCh38, chr10:102,630,111, plus strand): 5'-TTGCTCCCTCCACAGTTCAAACTTCCCAAAGAGTACAGCTGGCCTGAAAAGAAGCTGAAG[G>A]TCTCCATCCTGCCTGACGTGGTGTTCGACAGTCCGCTACACTAGCCTGGGCTGGGCCCTG-3'
Protein context (NP_057253.2, residues 461-481): EYSWPEKKLK[Val471Ile]SILPDVVFDS